The following is an entry in ClinVar:

ClinVar aggregate classification (germline): Conflicting classifications of pathogenicity. Review status: criteria provided, conflicting classifications (1 of 4 stars). 10 submissions from 10 submitters: Uncertain significance (2); Benign (1); Likely benign (6). 1 of the submissions does not count toward it. Last evaluated 2026-02-02.

Conditions:
Hereditary cancer-predisposing syndrome. Also called: Tumor predisposition; Hereditary Cancer Syndrome; Neoplastic Syndromes, Hereditary; Hereditary neoplastic syndrome. Identifiers: Orphanet 140162, MedGen C0027672, MeSH D009386, MONDO:0015356.
Bloom syndrome (BLM). Also called: Bloom-Torre-Machacek syndrome. Identifiers: Orphanet 125, MedGen C0005859, MONDO:0008876, OMIM 210900.

Allele frequency attached by ClinVar (database versions not stated): gnomAD exomes 0.00012 and 0.00019; ExAC 0.00022; 1000 Genomes Project 30x 0.00078; 1000 Genomes Project 0.00100; gnomAD 0.00034; TOPMed 0.00036; ESP Exome Variant Server 0.00054.
gnomAD v4.1: 241 of 1,613,974 alleles (0.015%); highest among the groups gnomAD compares: African/African-American, 0.12%; no homozygotes.

Submissions (10):

Labcorp Genetics (formerly Invitae), Labcorp
Classification: Benign for Bloom syndrome. Last evaluated: 2026-02-02. Review status: criteria provided, single submitter. Criteria: Invitae Variant Classification Sherloc (09022015). Collection method: clinical testing. Allele origin: germline.

CeGaT Center for Human Genetics Tuebingen
Classification: Likely benign. Last evaluated: 2025-09-01. Review status: criteria provided, single submitter. Criteria: CeGaT Center For Human Genetics Tuebingen Variant Classification Criteria Version 2. Collection method: clinical testing. Allele origin: germline. Affected: yes. Observed: 3 variant alleles.
Comment: BLM: BP4, BP7

ARUP Laboratories, Molecular Genetics and Genomics, ARUP Laboratories
Classification: Likely benign for Bloom syndrome. Last evaluated: 2025-05-05. Review status: criteria provided, single submitter. Criteria: ARUP Molecular Germline Variant Investigation Process 2024. Collection method: clinical testing. Allele origin: germline.

Blueprint Genetics
Classification: Likely benign. Last evaluated: 2024-11-01. Review status: criteria provided, single submitter. Criteria: ACMG Guidelines, 2015. Collection method: clinical testing. Allele origin: germline.

Sema4
Classification: Likely benign for Hereditary cancer-predisposing syndrome. Last evaluated: 2022-01-15. Review status: criteria provided, single submitter. Criteria: Sema4 Curation Guidelines. Collection method: curation. Allele origin: germline.

Genetic Services Laboratory, University of Chicago
Classification: Likely benign. Last evaluated: 2020-12-17. Review status: criteria provided, single submitter. Criteria: ACMG Guidelines, 2015. Collection method: clinical testing. Allele origin: germline. Affected: no.

Eurofins Ntd Llc (ga)
Classification: Uncertain significance. Last evaluated: 2018-05-02. Review status: criteria provided, single submitter. Criteria: EGL ClinVar v180209 classification definitions. Collection method: clinical testing. Allele origin: germline. Observed: 1 variant allele, 1 heterozygote.

Illumina Laboratory Services, Illumina
Classification: Uncertain significance for Bloom syndrome. Last evaluated: 2018-01-13. Review status: criteria provided, single submitter. Criteria: ICSL Variant Classification Criteria 13 December 2019. Collection method: clinical testing. Allele origin: germline.

Ambry Genetics
Classification: Likely benign for Hereditary cancer-predisposing syndrome. Last evaluated: 2017-04-18. Review status: criteria provided, single submitter. Criteria: Ambry Variant Classification Scheme 2023. Collection method: clinical testing. Allele origin: germline.

Natera, Inc.
Classification: Likely benign for Bloom syndrome. Last evaluated: 2019-05-20. Review status: no assertion criteria provided. Collection method: clinical testing. Allele origin: germline. Not counted in ClinVar's aggregate classification.

NM_000057.4(BLM):c.1467G>A (p.Arg489=)

Gene: BLM (BLM RecQ like helicase; plus strand). Cytogenetic location: 15q26.1.
Variant type: single nucleotide variant.
Coding change: c.1467G>A on transcript NM_000057.4 (MANE Select); coding-DNA position 1467, G replaced by A.
Protein change: p.Arg489=; no amino-acid change (arginine 489 retained).
Molecular consequence: synonymous variant.
Genome position (GRCh38, 1-based): chr15:90,760,840, G>A. VCF-style: chr15-90760840-G-A. GRCh37 (hg19) VCF-style: chr15-91304070-G-A.
Other names: c.1467G>A (LRG_20t1); c.1467G>A, p.Arg489= (NM_001287246.2, NM_001287247.2); c.342G>A, p.Arg114= (NM_001287248.2).
Identifiers: ClinVar variation 236801 (VCV000236801.54), dbSNP rs56257041, ClinGen allele CA7738539.